The following is an entry in ClinVar:

NM_020738.4(KIDINS220):c.5197A>G (p.Thr1733Ala)

Gene: KIDINS220 (kinase D interacting substrate 220; minus strand). Cytogenetic location: 2p25.1.
Variant type: single nucleotide variant.
Coding change: c.5197A>G on transcript NM_020738.4 (MANE Select); coding-DNA position 5197, A replaced by G.
Protein change: p.Thr1733Ala; replaces threonine 1733 with alanine.
Molecular consequence: missense variant. On other transcripts: intron variant (6).
Genome position (GRCh38, 1-based): chr2:8,730,839, T>C on the plus strand (A>G on the coding strand, the complement: KIDINS220 is on the minus strand). VCF-style: chr2-8730839-T-C. GRCh37 (hg19) VCF-style: chr2-8870969-T-C.
Other names: c.5200A>G, p.Thr1734Ala (NM_001348729.2); c.5143A>G, p.Thr1715Ala (NM_001348731.2); c.5140A>G, p.Thr1714Ala (NM_001348732.2); c.5029A>G, p.Thr1677Ala (NM_001348734.2); c.5026A>G, p.Thr1676Ala (NM_001348735.2); c.4900A>G, p.Thr1634Ala (NM_001348736.2); c.3882+2605A>G (NM_001348741.2, NM_001348742.2, NM_001348743.2); c.3996+2605A>G (NM_001348738.2); and 2 more; short protein forms T1634A, T1676A, T1733A, T1715A, T1734A, T1677A, T1714A.
Identifiers: ClinVar variation 2160647 (VCV002160647.6), dbSNP rs769837969, ClinGen allele CA1519239.
Genomic context (GRCh38, chr2:8,730,839, plus strand): 5'-GGAGCTCCGGAGGATCTTTGGAGAGCCTTGTGTAACTTGAACGTTGGCTTCGCTTATGTG[T>C]CATGCTTTTTAGATTCTCATTCTGAATAGTGGTTGGGTTGGGACTGGAACTAGGCCTCAA-3'
Protein context (NP_065789.1, residues 1723-1743): TIQNENLKSM[Thr1733Ala]HKRSQRSSYT

ClinVar aggregate classification (germline): Conflicting classifications of pathogenicity. Review status: criteria provided, conflicting classifications (1 of 4 stars). 3 submissions from 3 submitters: Uncertain significance (1); Likely benign (1). 1 of the submissions does not count toward it. Last evaluated 2025-07-03.

Conditions:
Inborn genetic diseases. Identifiers: MedGen C0950123, MeSH D030342.
KIDINS220-related disorder. Also called: KIDINS220-related condition.

Allele frequency attached by ClinVar (database versions not stated): ExAC 0.00002; gnomAD 0.00002; TOPMed 0.00002; gnomAD exomes 0.00003.
gnomAD v4.1: 47 of 1,614,120 alleles (0.0029%); highest among the groups gnomAD compares: Middle Eastern, 0.016%; no homozygotes.

Submissions (3):

Labcorp Genetics (formerly Invitae), Labcorp
Classification: Uncertain significance. Last evaluated: 2025-07-03. Review status: criteria provided, single submitter. Criteria: Invitae Variant Classification Sherloc (09022015). Collection method: clinical testing. Allele origin: germline.
Comment: This sequence change replaces threonine, which is neutral and polar, with alanine, which is neutral and non-polar, at codon 1733 of the KIDINS220 protein (p.Thr1733Ala). This variant is present in population databases (rs769837969, gnomAD 0.003%). This variant has not been reported in the literature in individuals affected with KIDINS220-related conditions. ClinVar contains an entry for this variant (Variation ID: 2160647). An algorithm developed to predict the effect of missense changes on protein structure and function outputs the following: PolyPhen-2: "Benign". The alanine amino acid residue is found in multiple mammalian species, which suggests that this missense change does not adversely affect protein function. In summary, the available evidence is currently insufficient to determine the role of this variant in disease. Therefore, it has been classified as a Variant of Uncertain Significance.

Ambry Genetics
Classification: Likely benign for Inborn genetic diseases. Last evaluated: 2022-02-24. Review status: criteria provided, single submitter. Criteria: Ambry Variant Classification Scheme 2023. Collection method: clinical testing. Allele origin: germline.

PreventionGenetics, part of Exact Sciences
Classification: Uncertain significance for KIDINS220-related condition. Last evaluated: 2024-03-23. Review status: no assertion criteria provided. Collection method: clinical testing. Allele origin: germline. Not counted in ClinVar's aggregate classification.
Comment: The KIDINS220 c.5197A>G variant is predicted to result in the amino acid substitution p.Thr1733Ala. To our knowledge, this variant has not been reported in the literature. This variant is reported in 0.0029% of alleles in individuals of Latino descent in gnomAD. At this time, the clinical significance of this variant is uncertain due to the absence of conclusive functional and genetic evidence.